The following is an entry in ClinVar:

ClinVar aggregate classification (germline): Uncertain significance. Review status: criteria provided, multiple submitters, no conflicts (2 of 4 stars). 2 submissions from 2 submitters: Uncertain significance (2). Last evaluated 2025-09-05.

Conditions:
Cardiomyopathy (CMYO). Also called: Cardiomyopathies. Identifiers: Orphanet 167848, MedGen C0878544, MONDO:0004994, HP:0001638. Inheritance: Various modes of inheritance.
Cardiovascular phenotype. Identifiers: MedGen CN230736.

Allele frequency attached by ClinVar (database versions not stated): TOPMed 0.00001.

Submissions (2):

Color Diagnostics, LLC DBA Color Health
Classification: Uncertain significance for Cardiomyopathy. Last evaluated: 2025-09-05. Review status: criteria provided, single submitter. Criteria: ACMG Guidelines, 2015. Collection method: clinical testing. Allele origin: germline.
Comment: This missense variant replaces aspartic acid with tyrosine at codon 480 of the DSP protein. Computational prediction suggests that this variant may have deleterious impact on protein structure and function. To our knowledge, functional studies have not been reported for this variant. This variant has not been reported in individuals affected with DSP-related disorders in the literature. This variant has not been identified in the general population by the Genome Aggregation Database (gnomAD). The available evidence is insufficient to determine the role of this variant in disease conclusively. Therefore, this variant is classified as a Variant of Uncertain Significance.

Ambry Genetics
Classification: Uncertain significance for Cardiovascular phenotype. Last evaluated: 2023-03-14. Review status: criteria provided, single submitter. Criteria: Ambry Variant Classification Scheme 2023. Collection method: clinical testing. Allele origin: germline.

NM_004415.4(DSP):c.1438G>T (p.Asp480Tyr)

Gene: DSP (desmoplakin; plus strand). Cytogenetic location: 6p24.3.
Variant type: single nucleotide variant.
Coding change: c.1438G>T on transcript NM_004415.4 (MANE Select); coding-DNA position 1438, G replaced by T.
Protein change: p.Asp480Tyr; replaces aspartic acid 480 with tyrosine.
Molecular consequence: missense variant.
Genome position (GRCh38, 1-based): chr6:7,569,204, G>T. VCF-style: chr6-7569204-G-T. GRCh37 (hg19) VCF-style: chr6-7569437-G-T.
Other names: c.1438G>T, p.Asp480Tyr (NM_001008844.3, NM_001319034.2); short protein forms D480Y.
Identifiers: ClinVar variation 2496252 (VCV002496252.3), dbSNP rs1758958630, ClinGen allele CA362677381.